The following is an entry in ClinVar:

NM_000268.4(NF2):c.888T>G (p.Ile296Met)

Gene: NF2 (NF2, moesin-ezrin-radixin like (MERLIN) tumor suppressor; plus strand). Cytogenetic location: 22q12.2.
Variant type: single nucleotide variant.
Coding change: c.888T>G on transcript NM_000268.4 (MANE Select); coding-DNA position 888, T replaced by G.
Protein change: p.Ile296Met; replaces isoleucine 296 with methionine.
Molecular consequence: missense variant. On other transcripts: non-coding transcript variant (1), intron variant (1).
Genome position (GRCh38, 1-based): chr22:29,668,335, T>G. VCF-style: chr22-29668335-T-G. GRCh37 (hg19) VCF-style: chr22-30064324-T-G.
Other names: c.447+26050T>G (NM_181833.3); c.774T>G, p.Ile258Met (NM_001407053.1, NM_001407056.1); c.765T>G, p.Ile255Met (NM_001407054.1, NM_001407058.1, NM_181829.3); c.762T>G, p.Ile254Met (NM_001407055.1, NM_181828.3); c.753T>G, p.Ile251Met (NM_001407057.1, NM_001407059.1); c.888T>G, p.Ile296Met (NM_001407060.1, NM_001407066.1, NM_016418.5 and 2 more transcripts); c.630T>G, p.Ile210Met (NM_001407062.1); c.639T>G, p.Ile213Met (NM_001407063.1, NM_001407064.1, NM_181830.3 and 1 more transcripts); and 2 more; short protein forms I118M, I210M, I213M, I219M, I251M, I254M, I255M, I258M.
Identifiers: ClinVar variation 3074401 (VCV003074401.2), dbSNP rs2518644778, ClinGen allele CA411145541.

ClinVar aggregate classification (germline): Uncertain significance. Review status: criteria provided, multiple submitters, no conflicts (2 of 4 stars). 2 submissions from 2 submitters: Uncertain significance (2). Last evaluated 2025-03-03.

Conditions:
Hereditary cancer-predisposing syndrome. Also called: Tumor predisposition; Hereditary Cancer Syndrome; Hereditary neoplastic syndrome; Neoplastic Syndromes, Hereditary. Identifiers: Orphanet 140162, MedGen C0027672, MeSH D009386, MONDO:0015356.
Neurofibromatosis, type 2 (SWNV). Also called: BILATERAL ACOUSTIC NEUROFIBROMATOSIS; NF2-Related Schwannomatosis; SCHWANNOMATOSIS, VESTIBULAR. Identifiers: Orphanet 637, MedGen C0027832, MONDO:0007039, OMIM 101000. Disease mechanism: loss of function.

Submissions (2):

Ambry Genetics
Classification: Uncertain significance for Hereditary cancer-predisposing syndrome. Last evaluated: 2025-03-03. Review status: criteria provided, single submitter. Criteria: Ambry Variant Classification Scheme 2023. Collection method: clinical testing. Allele origin: germline.
Comment: The p.I296M variant (also known as c.888T>G), located in coding exon 10 of the NF2 gene, results from a T to G substitution at nucleotide position 888. The isoleucine at codon 296 is replaced by methionine, an amino acid with highly similar properties. This amino acid position is conserved. In addition, the in silico prediction for this alteration is inconclusive. Based on the available evidence, the clinical significance of this variant remains unclear.

All of Us Research Program, National Institutes of Health
Classification: Uncertain significance for Neurofibromatosis, type 2. Last evaluated: 2023-11-02. Review status: criteria provided, single submitter. Criteria: ACMG Guidelines, 2015. Collection method: clinical testing. Allele origin: germline. Inheritance: Autosomal dominant inheritance. Observed: 1 variant allele, 1 heterozygote.
Comment: This missense variant replaces isoleucine with methionine at codon 296 of the NF2 protein. Computational prediction is inconclusive regarding the impact of this variant on protein structure and function (internally defined REVEL score threshold 0.5 < inconclusive < 0.7, PMID: 27666373). To our knowledge, functional studies have not been reported for this variant. This variant has not been reported in individuals affected with NF2-related disorders in the literature. This variant has not been identified in the general population by the Genome Aggregation Database (gnomAD). The available evidence is insufficient to determine the role of this variant in disease conclusively. Therefore, this variant is classified as a Variant of Uncertain Significance.

This study involves interpretation of variants in research participants for the purpose of population health screening. Participant phenotype was not available at the time of variant classification. Additional details can be found in publication PMID: 35346344, PMCID: PMC8962531